The following is an entry in ClinVar:

ClinVar aggregate classification (germline): Pathogenic (1 of 4 stars; one submission).

Submission:

Labcorp Genetics (formerly Invitae), Labcorp
Classification: Pathogenic. Last evaluated: 2023-06-04. Review status: criteria provided, single submitter. Criteria: Invitae Variant Classification Sherloc (09022015). Collection method: clinical testing. Allele origin: germline.
Comment: For these reasons, this variant has been classified as Pathogenic. This variant has not been reported in the literature in individuals affected with IFNAR1-related conditions. This variant is not present in population databases (gnomAD no frequency). This sequence change creates a premature translational stop signal (p.Leu76Phefs*9) in the IFNAR1 gene. It is expected to result in an absent or disrupted protein product. Loss-of-function variants in IFNAR1 are known to be pathogenic (PMID: 31270247, 32960813).

Literature cited by the submitters: PubMed 31270247; PubMed 32960813.

NM_000629.3(IFNAR1):c.227dup (p.Leu76fs)

Gene: IFNAR1 (interferon alpha and beta receptor subunit 1; plus strand). Cytogenetic location: 21q22.11.
Variant type: Duplication.
Coding change: c.227dup on transcript NM_000629.3 (MANE Select); coding-DNA position 227, one base duplicated (T; older notation c.227dupT).
Protein change: p.Leu76fs; shifts the reading frame from leucine 76.
Molecular consequence: frameshift variant. On other transcripts: 5 prime UTR variant (1), intron variant (1).
Genome position (GRCh38, 1-based): chr21:33,341,025, T duplicated; the last of 2 consecutive T bases (chr21:33,341,024-33,341,025); duplicating either gives the same sequence. VCF-style (leftmost placement, unchanged base first): chr21-33341023-A-AT. GRCh37 (hg19) VCF-style: chr21-34713329-A-AT.
Other names: c.227dup, p.Leu76fs (NM_001384498.1, NM_001384499.1, NM_001384501.1 and 1 more transcripts); c.-560dup (NM_001384500.1); c.20dup, p.Leu7fs (NM_001384504.1); c.-183-53dup (NM_001384502.1); short protein forms L76fs, L7fs.
Identifiers: ClinVar variation 2767189 (VCV002767189.3), dbSNP rs2516867559, ClinGen allele CA2697547484.